The following is an entry in ClinVar:

ClinVar aggregate classification (germline): Pathogenic/Likely pathogenic. Review status: criteria provided, multiple submitters, no conflicts (2 of 4 stars). 3 submissions from 3 submitters: Pathogenic (1); Likely pathogenic (2). Last evaluated 2026-03-07.

Conditions:
Microcephaly and chorioretinopathy 1. Also called: Microcephaly and chorioretinopathy, autosomal recessive, 1. Identifiers: MedGen C3278481, MONDO:0009624, OMIM 251270.

Allele frequency attached by ClinVar (database versions not stated): gnomAD exomes below 0.00001.
gnomAD v4.1: 1 of 1,551,634 alleles (0.000064%); highest among the groups gnomAD compares: Admixed American, 0.0019%; no homozygotes.

Submissions (3):

Dasa
Classification: Likely pathogenic for Microcephaly and chorioretinopathy 1. Last evaluated: 2026-03-07. Review status: criteria provided, single submitter. Criteria: DASA Assertion Criteria. Collection method: clinical testing. Allele origin: germline.
Comment: NM_020461.4(TUBGCP6):c.4108+2T>C affects a canonical splice site and is predicted to disrupt normal RNA splicing. Loss of function is an established disease mechanism for TUBGCP6-associated disorders. Also, this variant is rare in population databases. Based on the currently available evidence, this variant is classified as likely pathogenic.

Laboratorio de Genetica e Diagnostico Molecular, Hospital Israelita Albert Einstein
Classification: Pathogenic for Microcephaly and chorioretinopathy 1. Last evaluated: 2023-08-31. Review status: criteria provided, single submitter. Criteria: ACMG Guidelines, 2015. Collection method: clinical testing. Allele origin: germline. Affected: yes.
Comment: ACMG classification criteria: PVS1 very strong, PM2 moderate, PM3 supporting

Labcorp Genetics (formerly Invitae), Labcorp
Classification: Likely pathogenic. Last evaluated: 2023-05-08. Review status: criteria provided, single submitter. Criteria: Invitae Variant Classification Sherloc (09022015). Collection method: clinical testing. Allele origin: germline.
Comment: In summary, the currently available evidence indicates that the variant is pathogenic, but additional data are needed to prove that conclusively. Therefore, this variant has been classified as Likely Pathogenic. Algorithms developed to predict the effect of sequence changes on RNA splicing suggest that this variant may disrupt the consensus splice site. ClinVar contains an entry for this variant (Variation ID: 1503780). This variant has not been reported in the literature in individuals affected with TUBGCP6-related conditions. This variant is not present in population databases (gnomAD no frequency). This sequence change affects a donor splice site in intron 16 of the TUBGCP6 gene. It is expected to disrupt RNA splicing. Variants that disrupt the donor or acceptor splice site typically lead to a loss of protein function (PMID: 16199547), and loss-of-function variants in TUBGCP6 are known to be pathogenic (PMID: 25344692).

Literature cited by the submitters: PubMed 16199547 (cited by Labcorp Genetics (formerly Invitae), Labcorp); PubMed 25344692 (cited by Labcorp Genetics (formerly Invitae), Labcorp).

NM_020461.4(TUBGCP6):c.4108+2T>C

Gene: TUBGCP6 (tubulin gamma complex component 6; minus strand). Cytogenetic location: 22q13.33.
Variant type: single nucleotide variant.
Coding change: c.4108+2T>C on transcript NM_020461.4 (MANE Select); the canonical splice donor site of the intron after coding-DNA position 4108, T replaced by C.
Molecular consequence: splice donor variant.
Genome position (GRCh38, 1-based): chr22:50,220,249, A>G on the plus strand (T>C on the coding strand, the complement: TUBGCP6 is on the minus strand). VCF-style: chr22-50220249-A-G. GRCh37 (hg19) VCF-style: chr22-50658678-A-G.
Identifiers: ClinVar variation 1503780 (VCV001503780.9), dbSNP rs1056686381, ClinGen allele CA325511548.